The following is an entry in ClinVar:

ClinVar aggregate classification (germline): Conflicting classifications of pathogenicity. Review status: criteria provided, conflicting classifications (1 of 4 stars). 9 submissions from 9 submitters: Uncertain significance (5); Likely benign (4). Last evaluated 2026-09-21.

Conditions:
TTN-related disorder. Also called: TTN-related disorders; TTN-related condition; TTN-related disease.
Autosomal recessive limb-girdle muscular dystrophy type 2J (LGMDR10). Also called: Limb-girdle muscular dystrophy, type 2J; MUSCULAR DYSTROPHY, LIMB-GIRDLE, AUTOSOMAL RECESSIVE 10. Identifiers: Orphanet 140922, MedGen C1837342, MONDO:0012127, OMIM 608807.
Dilated cardiomyopathy 1G (CMD1G). Identifiers: Orphanet 154, MedGen C1858763, MONDO:0011400, OMIM 604145.
Hypertrophic cardiomyopathy. Also called: HYPERTROPHIC MYOCARDIOPATHY. Identifiers: Orphanet 217569, MedGen C0007194, MeSH D002312, MONDO:0005045, HP:0001639.

Allele frequency attached by ClinVar (database versions not stated): gnomAD exomes 0.00017; 1000 Genomes Project 0.00020; ExAC 0.00023; gnomAD 0.00029 and 0.00012; TOPMed 0.00038; 1000 Genomes Project 30x 0.00016; ESP Exome Variant Server 0.00016.
gnomAD v4.1: 299 of 1,610,984 alleles (0.019%); highest among the groups gnomAD compares: Non-Finnish European, 0.022%; no homozygotes.

Submissions (9):

PreventionGenetics, part of Exact Sciences
Classification: Uncertain significance for TTN-related condition. Last evaluated: 2026-09-21. Review status: criteria provided, single submitter. Criteria: ACMG Guidelines, 2015. Collection method: clinical testing. Allele origin: germline.
Comment: The TTN c.28733C>T variant is predicted to result in the amino acid substitution p.Thr9578Met. This variant has been reported in an individual with hypertrophic cardiomyopathy (referred to as c.25001C>T, p.Thr8334Met in transcript NM_133378 in Table S1, Lopes et al. 2013. PubMed ID: 23396983). This variant is reported in 0.031% of alleles in individuals of European (Non-Finnish) descent in gnomAD. Although we suspect that this variant may be benign, at this time, the clinical significance of this variant is uncertain due to the absence of conclusive functional and genetic evidence.

CeGaT Center for Human Genetics Tuebingen
Classification: Likely benign. Last evaluated: 2026-07-01. Review status: criteria provided, single submitter. Criteria: CeGaT Center For Human Genetics Tuebingen Variant Classification Criteria Version 2. Collection method: clinical testing. Allele origin: germline. Affected: yes. Observed: 2 variant alleles.
Comment: TTN: BP4

Women's Health and Genetics/Laboratory Corporation of America, LabCorp
Classification: Uncertain significance. Last evaluated: 2025-07-01. Review status: criteria provided, single submitter. Criteria: LabCorp Variant Classification Summary - May 2015. Collection method: clinical testing. Allele origin: germline.
Comment: Variant summary: TTN c.25001C>T (p.Thr8334Met) results in a non-conservative amino acid change in the encoded protein sequence. Algorithms developed to predict the effect of missense changes on protein structure and function are either unavailable or do not agree on the potential impact of this missense change. The variant allele was found at a frequency of 0.00017 in 248316 control chromosomes. This frequency is not significantly higher than estimated for a pathogenic variant in TTN causing Autosomal Recessive Titinopathy (0.00017 vs 0.00039), allowing no conclusion about variant significance. c.25001C>T has been observed in individual(s) affected with Hypertrophic Cardiomyopathy (e.g. Lopes_2013, Kovacs_2016). However, these reports do not provide unequivocal conclusions about association of the variant with Dilated Cardiomyopathy or Autosomal Recessive Titinopathy. To our knowledge, no experimental evidence demonstrating an impact on protein function has been reported. The following publications have been ascertained in the context of this evaluation (PMID: 27259341, 23396983). ClinVar contains an entry for this variant (Variation ID: 203359). Based on the evidence outlined above, the variant was classified as uncertain significance.

Molecular Diagnostic Laboratory for Inherited Cardiovascular Disease, Montreal Heart Institute
Classification: Likely benign. Last evaluated: 2025-04-09. Review status: criteria provided, single submitter. Criteria: ACMG Guidelines, 2015. Collection method: clinical testing. Allele origin: germline. Affected: no.

Revvity Omics, Revvity
Classification: Uncertain significance. Last evaluated: 2025-03-18. Review status: criteria provided, single submitter. Criteria: ACMG Guidelines, 2015. Collection method: clinical testing. Allele origin: germline.

GeneDx
Classification: Likely benign. Last evaluated: 2021-04-22. Review status: criteria provided, single submitter. Criteria: GeneDx Variant Classification Process June 2021. Collection method: clinical testing. Allele origin: germline. Affected: yes.
Comment: This variant is associated with the following publications: (PMID: 23396983)

Cambridge Genomics Laboratory, East Genomic Laboratory Hub, NHS Genomic Medicine Service
Classification: Likely benign for Hypertrophic cardiomyopathy. Last evaluated: 2019-06-21. Review status: criteria provided, single submitter. Criteria: ACGS Best Practice Guidelines for Variant Classification in Rare Disease 2020. Collection method: clinical testing. Allele origin: germline. Affected: yes. Observed: 1 variant allele.

Athena Diagnostics
Classification: Uncertain significance. Last evaluated: 2018-03-19. Review status: criteria provided, single submitter. Criteria: Athena Diagnostics Criteria. Collection method: clinical testing. Allele origin: germline.

Labcorp Genetics (formerly Invitae), Labcorp
Classification: Uncertain significance for Dilated cardiomyopathy 1G; Autosomal recessive limb-girdle muscular dystrophy type 2J. Last evaluated: 2017-09-30. Review status: criteria provided, single submitter. Criteria: Invitae Variant Classification Sherloc (09022015). Collection method: clinical testing. Allele origin: germline.

Literature cited by the submitters: PubMed 23396983 (cited by Women's Health and Genetics/Laboratory Corporation of America, LabCorp and Athena Diagnostics); PubMed 27259341 (cited by Women's Health and Genetics/Laboratory Corporation of America, LabCorp).

NM_001267550.2(TTN):c.28733C>T (p.Thr9578Met)

Gene: TTN (titin; minus strand). Cytogenetic location: 2q31.2.
Variant type: single nucleotide variant.
Coding change: c.28733C>T on transcript NM_001267550.2 (MANE Select); coding-DNA position 28733, C replaced by T.
Protein change: p.Thr9578Met; replaces threonine 9578 with methionine.
Molecular consequence: missense variant. On other transcripts: intron variant (3).
Genome position (GRCh38, 1-based): chr2:178,709,586, G>A on the plus strand (C>T on the coding strand, the complement: TTN is on the minus strand). VCF-style: chr2-178709586-G-A. GRCh37 (hg19) VCF-style: chr2-179574313-G-A.
Other names: p.T9261M:ACG>ATG; c.28733C>T (LRG_391t1); c.27782C>T, p.Thr9261Met (NM_001256850.1); c.25001C>T, p.Thr8334Met (NM_133378.4); c.13282+28496C>T (NM_003319.4); c.13858+28496C>T (NM_133437.4); c.13657+28496C>T (NM_133432.3); short protein forms T9261M, T9578M, T8334M.
Identifiers: ClinVar variation 203359 (VCV000203359.18), dbSNP rs184923756, ClinGen allele CA312145.
Genomic context (GRCh38, chr2:178,709,586, plus strand): 5'-AAGAAAAACACAACAGGTTGGGGCTGTGAGGATAACTCACCTTTGATGACGATTGAAGAC[G>A]TGCACAGAGCAGAGCCTGCATCATTGGACACTTTGCATGTGTACAAACCAGCGTCGTTCA-3'
Protein context (NP_001254479.2, residues 9568-9588): VSNDAGSALC[Thr9578Met]SSIVIKEPKK